The following is an entry in ClinVar:

NM_004415.4(DSP):c.71C>T (p.Pro24Leu)

Genes: DSP-AS1 (DSP antisense RNA 1; minus strand), DSP (desmoplakin; plus strand). Cytogenetic location: 6p24.3.
Variant type: single nucleotide variant.
Coding change: c.71C>T on transcript NM_004415.4 (MANE Select); coding-DNA position 71, C replaced by T.
Protein change: p.Pro24Leu; replaces proline 24 with leucine.
Molecular consequence: missense variant.
Genome position (GRCh38, 1-based): chr6:7,541,986, C>T. VCF-style: chr6-7541986-C-T. GRCh37 (hg19) VCF-style: chr6-7542219-C-T.
Other names: c.71C>T, p.Pro24Leu (NM_001008844.3, NM_001319034.2); short protein forms P24L.
Identifiers: ClinVar variation 1035001 (VCV001035001.9), dbSNP rs978383808, ClinGen allele CA133980110.
Genomic context (GRCh38, chr6:7,541,986, plus strand): 5'-ACGGAGGCTCCCACCCGCGGATCAACACTCTGGGCCGCATGATCCGCGCCGAGTCTGGCC[C>T]GGACCTGCGCTACGAGGTGACCAGCGGCGGCGGGGGCACCAGCAGGATGTACTATTCTCG-3'
Protein context (NP_004406.2, residues 14-34): LGRMIRAESG[Pro24Leu]DLRYEVTSGG

ClinVar aggregate classification (germline): Uncertain significance. Review status: criteria provided, multiple submitters, no conflicts (2 of 4 stars). 2 submissions from 2 submitters: Uncertain significance (2). Last evaluated 2023-11-02.

Conditions:
Arrhythmogenic cardiomyopathy with wooly hair and keratoderma. Also called: Dilated cardiomyopathy with woolly hair and keratoderma; Carvajal syndrome; PALMOPLANTAR KERATODERMA WITH LEFT VENTRICULAR CARDIOMYOPATHY AND WOOLLY HAIR; Arrhythmogenic cardiomyopathy with woolly hair and keratoderma. Identifiers: Orphanet 65282, MedGen C1854063, MONDO:0011581, OMIM 605676.
Arrhythmogenic right ventricular dysplasia 8 (ARVD8). Also called: ARRHYTHMOGENIC RIGHT VENTRICULAR DYSPLASIA, FAMILIAL, 8; ARRHYTHMOGENIC RIGHT VENTRICULAR CARDIOMYOPATHY 8; Arrhythmogenic Right Ventricular Dysplasia/Cardiomyopathy 8. Identifiers: MedGen C1843896, MONDO:0011831, OMIM 607450.

Submissions (2):

All of Us Research Program, National Institutes of Health
Classification: Uncertain significance for Arrhythmogenic cardiomyopathy with wooly hair and keratoderma. Last evaluated: 2023-11-02. Review status: criteria provided, single submitter. Criteria: ACMG Guidelines, 2015. Collection method: clinical testing. Allele origin: germline. Inheritance: Autosomal dominant inheritance. Observed: 1 variant allele, 1 heterozygote.
Comment: This missense variant replaces proline with leucine at codon 24 of the DSP protein. Computational prediction suggests that this variant may not impact protein structure and function (internally defined REVEL score threshold <= 0.5, PMID: 27666373). To our knowledge, functional studies have not been reported for this variant. This variant has not been reported in individuals affected with DSP-related disorders in the literature. This variant has not been identified in the general population by the Genome Aggregation Database (gnomAD). The available evidence is insufficient to determine the role of this variant in disease conclusively. Therefore, this variant is classified as a Variant of Uncertain Significance.

This study involves interpretation of variants in research participants for the purpose of population health screening. Participant phenotype was not available at the time of variant classification. Additional details can be found in publication PMID: 35346344, PMCID: PMC8962531

Labcorp Genetics (formerly Invitae), Labcorp
Classification: Uncertain significance for Arrhythmogenic cardiomyopathy with wooly hair and keratoderma; Arrhythmogenic right ventricular dysplasia 8. Last evaluated: 2020-05-21. Review status: criteria provided, single submitter. Criteria: Invitae Variant Classification Sherloc (09022015). Collection method: clinical testing. Allele origin: germline.
Comment: In summary, the available evidence is currently insufficient to determine the role of this variant in disease. Therefore, it has been classified as a Variant of Uncertain Significance. Algorithms developed to predict the effect of missense changes on protein structure and function (SIFT, PolyPhen-2, Align-GVGD) all suggest that this variant is likely to be tolerated, but these predictions have not been confirmed by published functional studies and their clinical significance is uncertain. This variant has not been reported in the literature in individuals with DSP-related conditions. This variant is not present in population databases (ExAC no frequency). This sequence change replaces proline with leucine at codon 24 of the DSP protein (p.Pro24Leu). The proline residue is moderately conserved and there is a moderate physicochemical difference between proline and leucine.